The following is an entry in ClinVar:

ClinVar aggregate classification (germline): Uncertain significance (1 of 4 stars; one submission).

Conditions:
Aicardi-Goutieres syndrome 3. Identifiers: Orphanet 51, MedGen C1835916, MONDO:0012471, OMIM 610329.

Submission:

Labcorp Genetics (formerly Invitae), Labcorp
Classification: Uncertain significance for Aicardi-Goutieres syndrome 3. Last evaluated: 2022-08-19. Review status: criteria provided, single submitter. Criteria: Invitae Variant Classification Sherloc (09022015). Collection method: clinical testing. Allele origin: germline.
Comment: In summary, the available evidence is currently insufficient to determine the role of this variant in disease. Therefore, it has been classified as a Variant of Uncertain Significance. Algorithms developed to predict the effect of missense changes on protein structure and function (SIFT, PolyPhen-2, Align-GVGD) all suggest that this variant is likely to be disruptive. This variant has not been reported in the literature in individuals affected with RNASEH2C-related conditions. This variant is not present in population databases (gnomAD no frequency). This sequence change replaces glycine, which is neutral and non-polar, with serine, which is neutral and polar, at codon 65 of the RNASEH2C protein (p.Gly65Ser).

NM_032193.4(RNASEH2C):c.193G>A (p.Gly65Ser)

Gene: RNASEH2C (ribonuclease H2 subunit C; minus strand). Cytogenetic location: 11q13.1.
Variant type: single nucleotide variant.
Coding change: c.193G>A on transcript NM_032193.4 (MANE Select); coding-DNA position 193, G replaced by A.
Protein change: p.Gly65Ser; replaces glycine 65 with serine.
Molecular consequence: missense variant.
Genome position (GRCh38, 1-based): chr11:65,720,397, C>T on the plus strand (G>A on the coding strand, the complement: RNASEH2C is on the minus strand). VCF-style: chr11-65720397-C-T. GRCh37 (hg19) VCF-style: chr11-65487868-C-T.
Other names: short protein forms G65S.
Identifiers: ClinVar variation 1716923 (VCV001716923.5), dbSNP rs1469776080, ClinGen allele CA381299034.